The following is an entry in ClinVar:

NM_144600.4(CEP20):c.327G>A (p.Gly109=)

Gene: CEP20 (centrosomal protein 20; minus strand). Cytogenetic location: 16p13.11.
Variant type: single nucleotide variant.
Coding change: c.327G>A on transcript NM_144600.4 (MANE Select); coding-DNA position 327, G replaced by A.
Protein change: p.Gly109=; no amino-acid change (glycine 109 retained).
Molecular consequence: synonymous variant. On other transcripts: non-coding transcript variant (3), intron variant (3).
Genome position (GRCh38, 1-based): chr16:15,873,612, C>T on the plus strand (G>A on the coding strand, the complement: CEP20 is on the minus strand). VCF-style: chr16-15873612-C-T. GRCh37 (hg19) VCF-style: chr16-15967469-C-T.
Other names: c.399G>A, p.Gly133= (NM_001304499.2); c.129G>A, p.Gly43= (NM_001304500.2); c.227-6096G>A (NM_001304497.2); c.312-6096G>A (NM_001304498.2); c.384-6096G>A (NM_001304502.2).
Identifiers: ClinVar variation 3387976 (VCV003387976.14).

ClinVar aggregate classification (germline): Likely benign (1 of 4 stars; one submission).

gnomAD v4.1: 4,083 of 1,613,420 alleles (0.25%); highest among the groups gnomAD compares: Non-Finnish European, 0.29%; 7 homozygotes.

Submission:

CeGaT Center for Human Genetics Tuebingen
Classification: Likely benign. Last evaluated: 2024-10-01. Review status: criteria provided, single submitter. Criteria: CeGaT Center For Human Genetics Tuebingen Variant Classification Criteria Version 2. Collection method: clinical testing. Allele origin: germline. Affected: yes. Observed: 1 variant allele.
Comment: CEP20: BP4, BP7